The following is an entry in ClinVar:

ClinVar aggregate classification (germline): Pathogenic (1 of 4 stars; one submission).

Conditions:
Intellectual developmental disorder, autosomal recessive 27. Also called: Mental retardation, autosomal recessive 27; Intellectual disability, autosomal recessive 27. Identifiers: Orphanet 88616, MedGen C3280538, MONDO:0013702, OMIM 614340.

Submission:

Institute of Human Genetics, University of Leipzig Medical Center
Classification: Pathogenic for Intellectual developmental disorder, autosomal recessive 27. Last evaluated: 2026-05-27. Review status: criteria provided, single submitter. Criteria: ACMG Guidelines, 2015. Collection method: clinical testing. Allele origin: inherited. Inheritance: Autosomal recessive inheritance. Affected: yes.
Comment: Criteria applied: PVS1,PM2,PM3_SUP

NM_001040616.3(LINS1):c.343dup (p.Gln115fs)

Gene: LINS1 (lines homolog 1; minus strand). Cytogenetic location: 15q26.3.
Variant type: Duplication.
Coding change: c.343dup on transcript NM_001040616.3 (MANE Select); coding-DNA position 343, one base duplicated (C; older notation c.343dupC).
Protein change: p.Gln115fs; shifts the reading frame from glutamine 115.
Molecular consequence: frameshift variant. On other transcripts: 5 prime UTR variant (1), non-coding transcript variant (3).
Genome position (GRCh38, 1-based): chr15:100,580,500, G duplicated on the plus strand (C on the coding strand, the reverse complement: LINS1 is on the minus strand). VCF-style (leftmost placement, unchanged base first): chr15-100580499-T-TG. GRCh37 (hg19) VCF-style: chr15-101120704-T-TG.
Other names: c.-567dup (NM_001352507.2); c.343dup, p.Gln115fs (NM_001352508.2); short protein forms Q115fs.
Identifiers: ClinVar variation 4857458 (VCV004857458.1).
Genomic context (GRCh38, chr15:100,580,499, plus strand): 5'-CTTACTAATTTAGAATCGACTTTGGCTGATTCTAAGAGAATTTTAATTACATCTCTGTAC[T>TG]GCTCCTTTGCATGGAACTCGGTTTTGACAGACAATATCCGGGTTGTCATCACTTTGATCA-3'